The following is an entry in ClinVar:

NM_003079.5(SMARCE1):c.1231G>T (p.Glu411Ter)

Gene: SMARCE1 (SWI/SNF related BAF chromatin remodeling complex subunit E1; minus strand). Cytogenetic location: 17q21.2.
Variant type: single nucleotide variant.
Coding change: c.1231G>T on transcript NM_003079.5 (MANE Select); coding-DNA position 1231, G replaced by T.
Protein change: p.Glu411Ter; replaces glutamic acid 411 with a stop codon.
Molecular consequence: nonsense.
Genome position (GRCh38, 1-based): chr17:40,628,790, C>A on the plus strand (G>T on the coding strand, the complement: SMARCE1 is on the minus strand). VCF-style: chr17-40628790-C-A. GRCh37 (hg19) VCF-style: chr17-38785042-C-A.
Other names: short protein forms E411*.
Identifiers: ClinVar variation 239489 (VCV000239489.42), dbSNP rs62622817, ClinGen allele CA8545040.

ClinVar aggregate classification (germline): Benign/Likely benign. Review status: criteria provided, multiple submitters, no conflicts (2 of 4 stars). 8 submissions from 7 submitters: Benign (4); Likely benign (4). Last evaluated 2026-09-01.

Conditions:
Hereditary cancer-predisposing syndrome. Also called: Hereditary neoplastic syndrome; Hereditary Cancer Syndrome; Neoplastic Syndromes, Hereditary; Tumor predisposition. Identifiers: Orphanet 140162, MedGen C0027672, MeSH D009386, MONDO:0015356.
Familial meningioma. Also called: Meningioma, familial, susceptibility to. Identifiers: Orphanet 263662, MedGen C3551915, MONDO:0011789, OMIM 607174.
Rhabdoid tumor predisposition syndrome 1 (RTPS1). Also called: Familial Posterior Fossa Brain Tumor of Infancy. Identifiers: Orphanet 231108, Orphanet 69077, MedGen C1836327, MONDO:0012252, OMIM 609322.
SMARCB1-related schwannomatosis. Also called: SWNTS1; Schwannomatosis 1. Identifiers: Orphanet 93921, MedGen C4048809, MONDO:0024517, OMIM 162091. Disease mechanism: loss of function.

Allele frequency attached by ClinVar (database versions not stated): ESP Exome Variant Server 0.00377; gnomAD 0.00398; 1000 Genomes Project 0.00399; 1000 Genomes Project 30x 0.00422; TOPMed 0.00466.
gnomAD v4.1: 1,243 of 1,612,022 alleles (0.077%); highest among the groups gnomAD compares: African/African-American, 1.4%; 6 homozygotes.

Submissions (8):

CeGaT Center for Human Genetics Tuebingen
Classification: Likely benign. Last evaluated: 2026-09-01. Review status: criteria provided, single submitter. Criteria: CeGaT Center For Human Genetics Tuebingen Variant Classification Criteria Version 2. Collection method: clinical testing. Allele origin: germline. Affected: yes. Observed: 6 variant alleles.
Comment: SMARCE1: BS1

Labcorp Genetics (formerly Invitae), Labcorp
Classification: Benign for Familial meningioma. Last evaluated: 2026-02-04. Review status: criteria provided, single submitter. Criteria: Invitae Variant Classification Sherloc (09022015). Collection method: clinical testing. Allele origin: germline.

Dasa
Classification: Likely benign. Last evaluated: 2025-12-22. Review status: criteria provided, single submitter. Criteria: DASA Assertion Criteria. Collection method: clinical testing. Allele origin: germline.
Comment: NM_003079.5(SMARCE1):c.1231G>T (p.Glu411*) introduces a premature termination codon predicted to result in loss of normal protein function. Loss-of-function is an established mechanism of disease for this gene. The variant is present at low frequency in population datasets. Based on the available data, this variant is classified as likely benign.

KCCC/NGS Laboratory, Kuwait Cancer Control Center
Classification: Benign for SMARCB1-related schwannomatosis. Last evaluated: 2025-02-01. Review status: criteria provided, single submitter. Criteria: ACMG Guidelines, 2015. Collection method: clinical testing. Allele origin: germline. Affected: no.

KCCC/NGS Laboratory, Kuwait Cancer Control Center
Classification: Benign for Rhabdoid tumor predisposition syndrome 1. Last evaluated: 2023-07-07. Review status: criteria provided, single submitter. Criteria: ACMG Guidelines, 2015. Collection method: clinical testing. Allele origin: germline. Affected: yes.

GeneDx
Classification: Benign. Last evaluated: 2019-03-15. Review status: criteria provided, single submitter. Criteria: GeneDx Variant Classification Process June 2021. Collection method: clinical testing. Allele origin: germline. Affected: yes.
Comment: This variant is associated with the following publications: (PMID: 27149204, 23198860)

Ambry Genetics
Classification: Likely benign for Hereditary cancer-predisposing syndrome. Last evaluated: 2018-12-28. Review status: criteria provided, single submitter. Criteria: Ambry Variant Classification Scheme 2023. Collection method: clinical testing. Allele origin: germline.

Breakthrough Genomics
Classification: Likely benign. Review status: criteria provided, single submitter. Criteria: ACMG Guidelines, 2015. Collection method: not provided. Allele origin: germline. Inheritance: Autosomal dominant inheritance. Affected: yes.